The following is an entry in ClinVar:

ClinVar aggregate classification (germline): Uncertain significance (1 of 4 stars; one submission).

Conditions:
Inborn genetic diseases. Identifiers: MedGen C0950123, MeSH D030342.

Submission:

Ambry Genetics
Classification: Uncertain significance for Inborn genetic diseases. Last evaluated: 2025-03-25. Review status: criteria provided, single submitter. Criteria: Ambry Variant Classification Scheme 2023. Collection method: clinical testing. Allele origin: germline.
Comment: The p.M1048R variant (also known as c.3143T>G), located in coding exon 24 of the ANKRD26 gene, results from a T to G substitution at nucleotide position 3143. The methionine at codon 1048 is replaced by arginine, an amino acid with similar properties. This amino acid position is conserved. In addition, this alteration is predicted to be tolerated by in silico analysis. Based on the available evidence, the clinical significance of this variant remains unclear.

NM_014915.3(ANKRD26):c.3143T>G (p.Met1048Arg)

Gene: ANKRD26 (ankyrin repeat domain containing 26; minus strand). Cytogenetic location: 10p12.1.
Variant type: single nucleotide variant.
Coding change: c.3143T>G on transcript NM_014915.3 (MANE Select); coding-DNA position 3143, T replaced by G.
Protein change: p.Met1048Arg; replaces methionine 1048 with arginine.
Molecular consequence: missense variant.
Genome position (GRCh38, 1-based): chr10:27,035,307, A>C on the plus strand (T>G on the coding strand, the complement: ANKRD26 is on the minus strand). VCF-style: chr10-27035307-A-C. GRCh37 (hg19) VCF-style: chr10-27324236-A-C.
Other names: c.3140T>G, p.Met1047Arg (NM_001256053.2); short protein forms M1047R, M1048R.
Identifiers: ClinVar variation 3913217 (VCV003913217.1).